The following is an entry in ClinVar:

NM_006035.4(CDC42BPB):c.4941G>A (p.Ser1647=)

Gene: CDC42BPB (CDC42 binding protein kinase beta; minus strand). Cytogenetic location: 14q32.32.
Variant type: single nucleotide variant.
Coding change: c.4941G>A on transcript NM_006035.4 (MANE Select); coding-DNA position 4941, G replaced by A.
Protein change: p.Ser1647=; no amino-acid change (serine 1647 retained).
Molecular consequence: synonymous variant.
Genome position (GRCh38, 1-based): chr14:102,938,167, C>T on the plus strand (G>A on the coding strand, the complement: CDC42BPB is on the minus strand). VCF-style: chr14-102938167-C-T. GRCh37 (hg19) VCF-style: chr14-103404504-C-T.
Other names: c.4863G>A, p.Ser1621= (NM_001411054.1).
Identifiers: ClinVar variation 4872530 (VCV004872530.3).

ClinVar aggregate classification (germline): Likely benign. Review status: criteria provided, multiple submitters, no conflicts (2 of 4 stars). 2 submissions from 2 submitters: Likely benign (2). Last evaluated 2026-06-01.

gnomAD v4.1: 325 of 1,613,442 alleles (0.02%); highest among the groups gnomAD compares: Non-Finnish European, 0.026%; no homozygotes.

Submissions (2):

CeGaT Center for Human Genetics Tuebingen
Classification: Likely benign. Last evaluated: 2026-06-01. Review status: criteria provided, single submitter. Criteria: CeGaT Center For Human Genetics Tuebingen Variant Classification Criteria Version 2. Collection method: clinical testing. Allele origin: germline. Affected: yes. Observed: 1 variant allele.
Comment: CDC42BPB: BP4, BP7

Blueprint Genetics
Classification: Likely benign. Last evaluated: 2024-11-11. Review status: criteria provided, single submitter. Criteria: ACMG Guidelines, 2015. Collection method: clinical testing. Allele origin: germline.